The following is an entry in ClinVar:

ClinVar aggregate classification (germline): Uncertain significance (1 of 4 stars; one submission).

Conditions:
Hereditary cancer-predisposing syndrome. Also called: Hereditary Cancer Syndrome; Hereditary neoplastic syndrome; Neoplastic Syndromes, Hereditary; Tumor predisposition. Identifiers: Orphanet 140162, MedGen C0027672, MeSH D009386, MONDO:0015356.

Submission:

Ambry Genetics
Classification: Uncertain significance for Hereditary cancer-predisposing syndrome. Last evaluated: 2020-09-23. Review status: criteria provided, single submitter. Criteria: Ambry Variant Classification Scheme 2023. Collection method: clinical testing. Allele origin: germline.
Comment: The p.T149I variant (also known as c.446C>T), located in coding exon 4 of the POT1 gene, results from a C to T substitution at nucleotide position 446. The threonine at codon 149 is replaced by isoleucine, an amino acid with similar properties. This amino acid position is not well conserved in available vertebrate species. In addition, this alteration is predicted to be tolerated by in silico analysis. Since supporting evidence is limited at this time, the clinical significance of this alteration remains unclear.

NM_015450.3(POT1):c.446C>T (p.Thr149Ile)

Gene: POT1 (protection of telomeres 1; minus strand). Cytogenetic location: 7q31.33.
Variant type: single nucleotide variant.
Coding change: c.446C>T on transcript NM_015450.3 (MANE Select); coding-DNA position 446, C replaced by T.
Protein change: p.Thr149Ile; replaces threonine 149 with isoleucine.
Molecular consequence: missense variant. On other transcripts: non-coding transcript variant (3).
Genome position (GRCh38, 1-based): chr7:124,863,450, G>A on the plus strand (C>T on the coding strand, the complement: POT1 is on the minus strand). VCF-style: chr7-124863450-G-A. GRCh37 (hg19) VCF-style: chr7-124503504-G-A.
Other names: c.53C>T, p.Thr18Ile (NM_001042594.2); short protein forms T149I, T18I.
Identifiers: ClinVar variation 1740817 (VCV001740817.2), dbSNP rs2116541732, ClinGen allele CA369059228.